The following is an entry in ClinVar:

NM_001365276.2(TNXB):c.9467C>T (p.Pro3156Leu)

Gene: TNXB (tenascin XB; minus strand). Cytogenetic location: 6p21.33.
Variant type: single nucleotide variant.
Coding change: c.9467C>T on transcript NM_001365276.2 (MANE Select); coding-DNA position 9467, C replaced by T.
Protein change: p.Pro3156Leu; replaces proline 3156 with leucine.
Molecular consequence: missense variant.
Genome position (GRCh38, 1-based): chr6:32,049,560, G>A on the plus strand (C>T on the coding strand, the complement: TNXB is on the minus strand). VCF-style: chr6-32049560-G-A. GRCh37 (hg19) VCF-style: chr6-32017337-G-A.
Other names: c.9461C>T, p.Pro3154Leu (NM_019105.8); short protein forms P3154L, P3156L.
Identifiers: ClinVar variation 1189521 (VCV001189521.9), dbSNP rs200111122, ClinGen allele CA3733513.

ClinVar aggregate classification (germline): Conflicting classifications of pathogenicity. Review status: criteria provided, conflicting classifications (1 of 4 stars). 2 submissions from 2 submitters: Uncertain significance (1); Likely benign (1). Last evaluated 2024-11-16.

Conditions:
Cardiovascular phenotype. Identifiers: MedGen CN230736.

Allele frequency attached by ClinVar (database versions not stated): gnomAD exomes 0.00004 and 0.00008; gnomAD 0.00008 and 0.00009; ExAC 0.00009; TOPMed 0.00011; ESP Exome Variant Server 0.00014; 1000 Genomes Project 0.00020; 1000 Genomes Project 30x 0.00031.
gnomAD v4.1: 70 of 1,612,208 alleles (0.0043%); highest among the groups gnomAD compares: African/African-American, 0.023%; no homozygotes.

Submissions (2):

Ambry Genetics
Classification: Likely benign for Cardiovascular phenotype. Last evaluated: 2024-11-16. Review status: criteria provided, single submitter. Criteria: Ambry Variant Classification Scheme 2023. Collection method: clinical testing. Allele origin: germline.

GeneDx
Classification: Uncertain significance. Last evaluated: 2023-03-20. Review status: criteria provided, single submitter. Criteria: GeneDx Variant Classification Process June 2021. Collection method: clinical testing. Allele origin: germline. Affected: yes.
Comment: Has not been previously published as pathogenic or benign to our knowledge; In silico analysis supports that this missense variant has a deleterious effect on protein structure/function